The following is an entry in ClinVar:

ClinVar aggregate classification (germline): Conflicting classifications of pathogenicity. Review status: criteria provided, conflicting classifications (1 of 4 stars). 2 submissions from 2 submitters: Likely pathogenic (1); Uncertain significance (1). Last evaluated 2026-07-06.

Conditions:
Familial adenomatous polyposis 1 (FAP1). Also called: FAMILIAL ADENOMATOUS POLYPOSIS 1, ATTENUATED; POLYPOSIS, ADENOMATOUS INTESTINAL. Identifiers: MedGen C2713442, MONDO:0021056, OMIM 175100. Disease mechanism: loss of function.
Hereditary cancer-predisposing syndrome. Also called: Hereditary Cancer Syndrome; Hereditary neoplastic syndrome; Neoplastic Syndromes, Hereditary; Tumor predisposition. Identifiers: Orphanet 140162, MedGen C0027672, MeSH D009386, MONDO:0015356.

Submissions (2):

Ambry Genetics
Classification: Uncertain significance for Hereditary cancer-predisposing syndrome. Last evaluated: 2026-07-06. Review status: criteria provided, single submitter. Criteria: Ambry Variant Classification Scheme 2023. Collection method: clinical testing. Allele origin: germline.
Comment: The p.S1403N variant (also known as c.4208G>A), located in coding exon 15 of the APC gene, results from a G to A substitution at nucleotide position 4208. The serine at codon 1403 is replaced by asparagine, an amino acid with highly similar properties. This amino acid position is conserved. In addition, in silico predictors for this gene do not accurately predict pathogenicity. Based on the available evidence, the clinical significance of this variant remains unclear.

University of Washington Department of Laboratory Medicine, University of Washington
Classification: Likely pathogenic for Familial adenomatous polyposis 1. Last evaluated: 2026-01-12. Review status: criteria provided, single submitter. Criteria: Shirts BH et al. (Am J Hum Genet 2018). Collection method: clinical testing. Allele origin: de novo. Affected: yes.
Comment: We classify the APC c.4208G>A (p.Ser1403Asn) variant as likely pathogenic based on internal evidence. Tissue sequencing demonstrated loss of heterozygosity (LOH) at the APC locus, consistent with biallelic inactivation and supporting a “two-hit” model of tumorigenesis characteristic of APC-driven neoplasia. These findings provide supporting functional evidence for loss of APC activity (PS3_supporting). The use of tumor molecular features and somatic evidence to inform germline variant classification has been described in the literature (Shirts et al., 2018. Genet Med. PMID: 29887214). The p.Ser1403Asn substitution affects a residue located within the central region of APC, a functionally important domain involved in regulation of the WNT/β-catenin signaling pathway. Disruption of APC-mediated β-catenin regulation is a well-established mechanism underlying adenoma formation and tumorigenesis. In silico prediction tools suggest that this amino acid substitution is deleterious, supporting PP3. This variant is absent from large population databases, including gnomAD (v4.0.0), meeting PM2_supporting. Although this variant has not previously been reported in ClinVar, its identification as a somatic alteration with accompanying LOH in a tumor arising in the setting of a polyposis phenotype supports clinical relevance. Notably, colorectal adenomas exhibit a low background mutation rate and frequently harbor APC driver alterations, reinforcing the likelihood that somatic APC variants observed in this context are pathogenic contributors to tumor development (PMID: 28607096; PMID: 27221540). The clinical phenotype observed in this individual, including adenomatous polyps, is highly specific for APC-associated tumorigenesis. Together, the tumor LOH consistent with a second hit, absence from population databases, computational evidence supporting deleterious impact, and a highly specific polyposis phenotype support a likely pathogenic classification for the APC c.4208G>A (p.Ser1403Asn) variant.

NM_000038.6(APC):c.4208G>A (p.Ser1403Asn)

Gene: APC (APC regulator of Wnt signaling pathway; plus strand). Cytogenetic location: 5q22.2.
Variant type: single nucleotide variant.
Coding change: c.4208G>A on transcript NM_000038.6 (MANE Select); coding-DNA position 4208, G replaced by A.
Protein change: p.Ser1403Asn; replaces serine 1403 with asparagine.
Molecular consequence: missense variant. On other transcripts: non-coding transcript variant (2).
Genome position (GRCh38, 1-based): chr5:112,839,802, G>A. VCF-style: chr5-112839802-G-A. GRCh37 (hg19) VCF-style: chr5-112175499-G-A.
Other names: c.3905G>A, p.Ser1302Asn (NM_001407460.1, NM_001354903.2, NM_001407458.1 and 1 more transcripts); c.3821G>A, p.Ser1274Asn (NM_001407467.1, NM_001407469.1); c.3359G>A, p.Ser1120Asn (NM_001407470.1, NM_001354906.2); c.3056G>A, p.Ser1019Asn (NM_001407471.1, NM_001407472.1); c.4208G>A, p.Ser1403Asn (NM_001127510.3, NM_001354895.2, NM_001407450.1); c.4154G>A, p.Ser1385Asn (NM_001127511.3); c.4262G>A, p.Ser1421Asn (NM_001354896.2, NM_001407447.1, NM_001407448.1 and 1 more transcripts); c.4238G>A, p.Ser1413Asn (NM_001354897.2); and 12 more; short protein forms S1019N, S1120N, S1375N, S1393N, S1396N, S1431N, S1274N, S1277N.
Identifiers: ClinVar variation 4795787 (VCV004795787.2).
Genomic context (GRCh38, chr5:112,839,802, plus strand): 5'-TGTTTAGCAGATGTACTTCTGTCAGTTCACTTGATAGTTTTGAGAGTCGTTCGATTGCCA[G>A]CTCCGTTCAGAGTGAACCATGCAGTGGAATGGTAAGTGGCATTATAAGCCCCAGTGATCT-3'
Protein context (NP_000029.2, residues 1393-1413): LDSFESRSIA[Ser1403Asn]SVQSEPCSGM